The following is an entry in ClinVar:

ClinVar aggregate classification (germline): Uncertain significance (1 of 4 stars; one submission).

Conditions:
RNF113A-related disorder. Also called: RNF113A-related condition.

Allele frequency attached by ClinVar (database versions not stated): gnomAD exomes below 0.00001; TOPMed 0.00001; gnomAD 0.00002.
gnomAD v4.1: 3 of 1,211,124 alleles (0.00025%); highest among the groups gnomAD compares: African/African-American, 0.0052%; no homozygotes.

Submission:

PreventionGenetics, part of Exact Sciences
Classification: Uncertain significance for RNF113A-related condition. Last evaluated: 2022-12-07. Review status: criteria provided, single submitter. Criteria: ACMG Guidelines, 2015. Collection method: clinical testing. Allele origin: germline.
Comment: The RNF113A c.118C>G variant is predicted to result in the amino acid substitution p.Pro40Ala. To our knowledge, this variant has not been reported in the literature or in a large population database, indicating this variant is rare. At this time, the clinical significance of this variant is uncertain due to the absence of conclusive functional and genetic evidence.

NM_006978.3(RNF113A):c.118C>G (p.Pro40Ala)

Genes: RNF113A (ring finger protein 113A; minus strand), LOC130068621 (ATAC-STARR-seq lymphoblastoid active region 29902; plus strand). Cytogenetic location: Xq24.
Variant type: single nucleotide variant.
Coding change: c.118C>G on transcript NM_006978.3 (MANE Select); coding-DNA position 118, C replaced by G.
Protein change: p.Pro40Ala; replaces proline 40 with alanine.
Molecular consequence: missense variant.
Genome position (GRCh38, 1-based): chrX:119,871,496, G>C on the plus strand (C>G on the coding strand, the complement: RNF113A is on the minus strand). VCF-style: chrX-119871496-G-C. GRCh37 (hg19) VCF-style: chrX-119005459-G-C.
Other names: short protein forms P40A.
Identifiers: ClinVar variation 2635579 (VCV002635579.1), dbSNP rs954810120, ClinGen allele CA334110291.